The following is an entry in ClinVar:

ClinVar aggregate classification (germline): Likely benign. Review status: criteria provided, multiple submitters, no conflicts (2 of 4 stars). 2 submissions from 2 submitters: Likely benign (2). Last evaluated 2024-04-10.

Conditions:
Dilated cardiomyopathy 1G (CMD1G). Identifiers: Orphanet 154, MedGen C1858763, MONDO:0011400, OMIM 604145.
Autosomal recessive limb-girdle muscular dystrophy type 2J (LGMDR10). Also called: Limb-girdle muscular dystrophy, type 2J; MUSCULAR DYSTROPHY, LIMB-GIRDLE, AUTOSOMAL RECESSIVE 10. Identifiers: Orphanet 140922, MedGen C1837342, MONDO:0012127, OMIM 608807.

Allele frequency attached by ClinVar (database versions not stated): gnomAD exomes below 0.00001 and 0.00001; ExAC 0.00002.
gnomAD v4.1: 2 of 1,601,984 alleles (0.00012%); highest among the groups gnomAD compares: Non-Finnish European, 0.00017%; no homozygotes.

Submissions (2):

Labcorp Genetics (formerly Invitae), Labcorp
Classification: Likely benign for Dilated cardiomyopathy 1G; Autosomal recessive limb-girdle muscular dystrophy type 2J. Last evaluated: 2024-04-10. Review status: criteria provided, single submitter. Criteria: Invitae Variant Classification Sherloc (09022015). Collection method: clinical testing. Allele origin: germline.

Laboratory for Molecular Medicine, Mass General Brigham Personalized Medicine
Classification: Likely benign. Last evaluated: 2014-02-20. Review status: criteria provided, single submitter. Criteria: LMM Criteria. Collection method: clinical testing. Allele origin: germline. Observed: 1 variant allele.
Comment: Leu6370Leu in exon 76 of TTN: This variant is not expected to have clinical sig nificance because it does not alter an amino acid residue and is not located wit hin the splice consensus sequence. Leu6370Leu in exon 76 of TTN (allele frequ ency = n/a)

NM_001267550.2(TTN):c.22842A>G (p.Leu7614=)

Gene: TTN (titin; minus strand). Cytogenetic location: 2q31.2.
Variant type: single nucleotide variant.
Coding change: c.22842A>G on transcript NM_001267550.2 (MANE Select); coding-DNA position 22842, A replaced by G.
Protein change: p.Leu7614=; no amino-acid change (leucine 7614 retained).
Molecular consequence: synonymous variant. On other transcripts: intron variant (3).
Genome position (GRCh38, 1-based): chr2:178,721,177, T>C on the plus strand (A>G on the coding strand, the complement: TTN is on the minus strand). VCF-style: chr2-178721177-T-C. GRCh37 (hg19) VCF-style: chr2-179585904-T-C.
Other names: c.19110A>G, p.Leu6370= (NM_133378.4); c.21891A>G, p.Leu7297= (NM_001256850.1); c.13282+16905A>G (NM_003319.4); c.13858+16905A>G (NM_133437.4); c.13657+16905A>G (NM_133432.3).
Identifiers: ClinVar variation 179580 (VCV000179580.7), dbSNP rs727504963, ClinGen allele CA184706.
Genomic context (GRCh38, chr2:178,721,177, plus strand): 5'-GCCACTTATTTTACATTCCAGTTGAATGGATTCTCCCTGCTTTGCAACTTTTGAAGCTTC[T>C]AATTTCTTAACAAACTTTGGAGGTTCTAGTAAACCAAACAAAACAGTCAGTAAGGGATAT-3'
Protein context (NP_001254479.2, residues 7604-7624): VKEPPKFVKK[Leu7614=]EASKVAKQGE